The following is an entry in ClinVar:

ClinVar aggregate classification (germline): Uncertain significance. Review status: criteria provided, multiple submitters, no conflicts (2 of 4 stars). 2 submissions from 2 submitters: Uncertain significance (2). Last evaluated 2025-11-11.

Conditions:
Inborn genetic diseases. Identifiers: MedGen C0950123, MeSH D030342.

gnomAD v4.1: 6 of 1,614,016 alleles (0.00037%); highest among the groups gnomAD compares: Middle Eastern, 0.016%; no homozygotes.

Submissions (2):

Ambry Genetics
Classification: Uncertain significance for Inborn genetic diseases. Last evaluated: 2025-11-11. Review status: criteria provided, single submitter. Criteria: Ambry Variant Classification Scheme 2023. Collection method: clinical testing. Allele origin: germline.

Labcorp Genetics (formerly Invitae), Labcorp
Classification: Uncertain significance. Last evaluated: 2022-03-08. Review status: criteria provided, single submitter. Criteria: Invitae Variant Classification Sherloc (09022015). Collection method: clinical testing. Allele origin: germline.
Comment: This sequence change replaces glycine, which is neutral and non-polar, with aspartic acid, which is acidic and polar, at codon 298 of the MYO5B protein (p.Gly298Asp). This variant is not present in population databases (gnomAD no frequency). This variant has not been reported in the literature in individuals affected with MYO5B-related conditions. Algorithms developed to predict the effect of missense changes on protein structure and function are either unavailable or do not agree on the potential impact of this missense change (SIFT: "Deleterious"; PolyPhen-2: "Probably Damaging"; Align-GVGD: "Class C0"). In summary, the available evidence is currently insufficient to determine the role of this variant in disease. Therefore, it has been classified as a Variant of Uncertain Significance.

NM_001080467.3(MYO5B):c.893G>A (p.Gly298Asp)

Gene: MYO5B (myosin VB; minus strand). Cytogenetic location: 18q21.1.
Variant type: single nucleotide variant.
Coding change: c.893G>A on transcript NM_001080467.3 (MANE Select); coding-DNA position 893, G replaced by A.
Protein change: p.Gly298Asp; replaces glycine 298 with aspartic acid.
Molecular consequence: missense variant.
Genome position (GRCh38, 1-based): chr18:49,984,771, C>T on the plus strand (G>A on the coding strand, the complement: MYO5B is on the minus strand). VCF-style: chr18-49984771-C-T. GRCh37 (hg19) VCF-style: chr18-47511141-C-T.
Other names: c.893G>A (NM_001080467.2); short protein forms G298D.
Identifiers: ClinVar variation 1937206 (VCV001937206.3), dbSNP rs144305793, ClinGen allele CA402436547.